The following is an entry in ClinVar:

NM_138694.4(PKHD1):c.10126del (p.Ala3376fs)

Gene: PKHD1 (PKHD1 ciliary IPT domain containing fibrocystin/polyductin; minus strand). Cytogenetic location: 6p12.3.
Variant type: Deletion.
Coding change: c.10126del on transcript NM_138694.4 (MANE Select); coding-DNA position 10126, one base deleted (G; older notation c.10126delG).
Protein change: p.Ala3376fs; shifts the reading frame from alanine 3376.
Molecular consequence: frameshift variant.
Genome position (GRCh38, 1-based): chr6:51,744,415, C deleted on the plus strand (G on the coding strand, the reverse complement: PKHD1 is on the minus strand); the first of 2 consecutive C bases (chr6:51,744,415-51,744,416); deleting either gives the same sequence. VCF-style (leftmost placement, unchanged base first): chr6-51744414-GC-G. GRCh37 (hg19) VCF-style: chr6-51609212-GC-G.
Other names: c.10126delG (NM_138694.3); c.10126del, p.Ala3376fs (NM_170724.3); short protein forms A3376fs.
Identifiers: ClinVar variation 653999 (VCV000653999.72), dbSNP rs1334145215, ClinGen allele CA825695665.

ClinVar aggregate classification (germline): Pathogenic. Review status: criteria provided, multiple submitters, no conflicts (2 of 4 stars). 3 submissions from 3 submitters: Pathogenic (2). 1 of the submissions does not count toward it. Last evaluated 2019-08-01.

Conditions:
Autosomal dominant polycystic liver disease. Also called: Congenital cystic disease of liver; Polycystic liver disease. Identifiers: Orphanet 2924, MedGen C0158683, MONDO:0000447, HP:0006557.
Autosomal recessive polycystic kidney disease (ARPKD). Also called: AR polycystic kidney disease. Identifiers: Orphanet 731, Orphanet 8378, MedGen C0085548, MeSH D017044, MONDO:0009889.

Submissions (3):

CeGaT Center for Human Genetics Tuebingen
Classification: Pathogenic. Last evaluated: 2019-08-01. Review status: criteria provided, single submitter. Criteria: CeGaT Center For Human Genetics Tuebingen Variant Classification Criteria Version 2. Collection method: clinical testing. Allele origin: germline. Affected: yes. Observed: 3 variant alleles.

Labcorp Genetics (formerly Invitae), Labcorp
Classification: Pathogenic for Autosomal recessive polycystic kidney disease. Last evaluated: 2018-08-15. Review status: criteria provided, single submitter. Criteria: Invitae Variant Classification Sherloc (09022015). Collection method: clinical testing. Allele origin: germline.
Comment: Loss-of-function variants in PKHD1 are known to be pathogenic (PMID: 19940839). This sequence change creates a premature translational stop signal (p.Ala3376Glnfs*24) in the PKHD1 gene. It is expected to result in an absent or disrupted protein product. This variant is not present in population databases (ExAC no frequency). This variant has not been reported in the literature in individuals with PKHD1-related disease. For these reasons, this variant has been classified as Pathogenic.

Laboratory of Gastroenterology and Hepatology, Radboud University Medical Center
Classification: Pathogenic for Autosomal dominant polycystic liver disease. Last evaluated: 2021-09-01. Review status: no assertion criteria provided. Collection method: research. Allele origin: germline. Affected: yes. Not counted in ClinVar's aggregate classification.

Literature cited by the submitters: PubMed 19940839 (cited by Labcorp Genetics (formerly Invitae), Labcorp).